The following is an entry in ClinVar:

ClinVar aggregate classification (germline): Uncertain significance (1 of 4 stars; one submission).

Conditions:
Heterotopia, periventricular, X-linked dominant (PVNH1). Also called: PERIVENTRICULAR NODULAR HETEROTOPIA 1; X-linked periventricular heterotopia; PERIVENTRICULAR NODULAR HETEROTOPIA 4; HETEROTOPIA, PERIVENTRICULAR, 1. Identifiers: Orphanet 2149, Orphanet 82004, MedGen C1848213, MONDO:0010233, OMIM 300049.
Oto-palato-digital syndrome, type II (OPD2). Also called: OPD II SYNDROME; FACIOPALATOOSSEOUS SYNDROME; Otopalatodigital Syndrome Type 2 (FLNA-OPD2); Otopalatodigital Syndrome, Type II. Identifiers: Orphanet 669, Orphanet 90652, MedGen C1844696, MONDO:0010571, OMIM 304120.
Frontometaphyseal dysplasia (FMD1). Identifiers: Orphanet 1826, MedGen C0265293, MONDO:0015942.
Melnick-Needles syndrome (MNS). Also called: MELNICK-NEEDLES OSTEODYSPLASTY; OSTEODYSPLASTY OF MELNICK AND NEEDLES; Melnick-Needles Syndrome (FLNA-MNS). Identifiers: Orphanet 2484, MedGen C0025237, MONDO:0010650, OMIM 309350.

Submission:

Labcorp Genetics (formerly Invitae), Labcorp
Classification: Uncertain significance for Oto-palato-digital syndrome, type II; Heterotopia, periventricular, X-linked dominant; Frontometaphyseal dysplasia; Melnick-Needles syndrome. Last evaluated: 2019-02-14. Review status: criteria provided, single submitter. Criteria: Invitae Variant Classification Sherloc (09022015). Collection method: clinical testing. Allele origin: germline.
Comment: Algorithms developed to predict the effect of missense changes on protein structure and function (SIFT, PolyPhen-2, Align-GVGD) all suggest that this variant is likely to be disruptive, but these predictions have not been confirmed by published functional studies and their clinical significance is uncertain. In summary, the available evidence is currently insufficient to determine the role of this variant in disease. Therefore, it has been classified as a Variant of Uncertain Significance. This variant has not been reported in the literature in individuals with FLNA-related conditions. This variant is not present in population databases (ExAC no frequency). This sequence change replaces serine with arginine at codon 873 of the FLNA protein (p.Ser873Arg). The serine residue is highly conserved and there is a moderate physicochemical difference between serine and arginine.

NM_001110556.2(FLNA):c.2617A>C (p.Ser873Arg)

Gene: FLNA (filamin A; minus strand). Cytogenetic location: Xq28.
Variant type: single nucleotide variant.
Coding change: c.2617A>C on transcript NM_001110556.2 (MANE Select); coding-DNA position 2617, A replaced by C.
Protein change: p.Ser873Arg; replaces serine 873 with arginine.
Molecular consequence: missense variant.
Genome position (GRCh38, 1-based): chrX:154,362,281, T>G on the plus strand (A>C on the coding strand, the complement: FLNA is on the minus strand). VCF-style: chrX-154362281-T-G. GRCh37 (hg19) VCF-style: chrX-153590649-T-G.
Other names: c.2617A>C, p.Ser873Arg (NM_001456.4); short protein forms S873R.
Identifiers: ClinVar variation 843679 (VCV000843679.10), dbSNP rs2067717840, ClinGen allele CA415233528.